The following is an entry in ClinVar:

NM_003872.3(NRP2):c.144C>A (p.Asp48Glu)

Gene: NRP2 (neuropilin 2; plus strand). Cytogenetic location: 2q33.3.
Variant type: single nucleotide variant.
Coding change: c.144C>A on transcript NM_003872.3 (MANE Select); coding-DNA position 144, C replaced by A.
Protein change: p.Asp48Glu; replaces aspartic acid 48 with glutamic acid.
Molecular consequence: missense variant.
Genome position (GRCh38, 1-based): chr2:205,697,614, C>A. VCF-style: chr2-205697614-C-A. GRCh37 (hg19) VCF-style: chr2-206562338-C-A.
Other names: c.144C>A, p.Asp48Glu (NM_018534.4, NM_201264.2, NM_201266.2 and 2 more transcripts); short protein forms D48E.
Identifiers: ClinVar variation 4989223 (VCV004989223.1).

ClinVar aggregate classification (germline): Uncertain significance (1 of 4 stars; one submission).

Conditions:
NRP2-related disorder. Also called: NRP2-related condition.

gnomAD v4.1: 1 of 1,614,020 alleles (0.000062%); highest among the groups gnomAD compares: Admixed American, 0.0017%; no homozygotes.

Submission:

PreventionGenetics, part of Exact Sciences
Classification: Uncertain significance for NRP2-related condition. Last evaluated: 2024-10-16. Review status: criteria provided, single submitter. Criteria: ACMG Guidelines, 2015. Collection method: clinical testing. Allele origin: germline.
Comment: The NRP2 c.144C>A variant is predicted to result in the amino acid substitution p.Asp48Glu. To our knowledge, this variant has not been reported in the literature. This variant is reported in 0.0029% of alleles in individuals of Latino descent in gnomAD. At this time, the clinical significance of this variant is uncertain due to the absence of conclusive functional and genetic evidence.